The following is an entry in ClinVar:

NM_000548.5(TSC2):c.2693T>C (p.Ile898Thr)

Gene: TSC2 (TSC complex subunit 2; plus strand). Cytogenetic location: 16p13.3.
Variant type: single nucleotide variant.
Coding change: c.2693T>C on transcript NM_000548.5 (MANE Select); coding-DNA position 2693, T replaced by C.
Protein change: p.Ile898Thr; replaces isoleucine 898 with threonine.
Molecular consequence: missense variant. On other transcripts: non-coding transcript variant (5).
Genome position (GRCh38, 1-based): chr16:2,076,121, T>C. VCF-style: chr16-2076121-T-C. GRCh37 (hg19) VCF-style: chr16-2126122-T-C.
Other names: c.2693T>C, p.Ile898Thr (NM_001077183.3, NM_001114382.3, NM_001363528.2 and 6 more transcripts); c.2582T>C, p.Ile861Thr (NM_001318827.2, NM_001406670.1, NM_001406678.1); c.2546T>C, p.Ile849Thr (NM_001318829.2, NM_001406675.1, NM_001406676.1 and 1 more transcripts); c.2231T>C, p.Ile744Thr (NM_001406681.1); c.2093T>C, p.Ile698Thr (NM_001406682.1, NM_001406683.1, NM_001406684.1 and 6 more transcripts); c.1349T>C, p.Ile450Thr (NM_001406689.1, NM_001406690.1, NM_001406691.1 and 6 more transcripts); c.2726T>C, p.Ile909Thr (NM_001318832.2); c.2783T>C, p.Ile928Thr (NM_001406667.1, NM_001406668.1); and 3 more; short protein forms I364T, I698T, I898T, I744T, I849T, I894T, I909T, I450T.
Identifiers: ClinVar variation 4823968 (VCV004823968.1).
Genomic context (GRCh38, chr16:2,076,121, plus strand): 5'-ATCTCAGGTTTAATCAGTACATCGTGTGTCTGGCCCATCACGTCATAGCCATGTGGTTCA[T>C]CAGGTGCCGCCTGCCCTTCCGGAAGGATTTTGTCCCTTTCATCACTAAGGTGGGCTCAGG-3'
Protein context (NP_000539.2, residues 888-908): LAHHVIAMWF[Ile898Thr]RCRLPFRKDF

ClinVar aggregate classification (germline): Uncertain significance (1 of 4 stars; one submission).

Conditions:
Hereditary cancer-predisposing syndrome. Also called: Neoplastic Syndromes, Hereditary; Hereditary neoplastic syndrome; Tumor predisposition; Hereditary Cancer Syndrome. Identifiers: Orphanet 140162, MedGen C0027672, MeSH D009386, MONDO:0015356.

Submission:

Ambry Genetics
Classification: Uncertain significance for Hereditary cancer-predisposing syndrome. Last evaluated: 2026-02-09. Review status: criteria provided, single submitter. Criteria: Ambry Variant Classification Scheme 2023. Collection method: clinical testing. Allele origin: germline.
Comment: The p.I898T variant (also known as c.2693T>C), located in coding exon 23 of the TSC2 gene, results from a T to C substitution at nucleotide position 2693. The isoleucine at codon 898 is replaced by threonine, an amino acid with similar properties. This amino acid position is highly conserved in available vertebrate species. In addition, this alteration is predicted to be deleterious by in silico analysis. Based on the available evidence, the clinical significance of this variant remains unclear.